The following is an entry in ClinVar:

NM_138694.4(PKHD1):c.3920A>T (p.Gln1307Leu)

Gene: PKHD1 (PKHD1 ciliary IPT domain containing fibrocystin/polyductin; minus strand). Cytogenetic location: 6p12.2.
Variant type: single nucleotide variant.
Coding change: c.3920A>T on transcript NM_138694.4 (MANE Select); coding-DNA position 3920, A replaced by T.
Protein change: p.Gln1307Leu; replaces glutamine 1307 with leucine.
Molecular consequence: missense variant.
Genome position (GRCh38, 1-based): chr6:52,025,890, T>A on the plus strand (A>T on the coding strand, the complement: PKHD1 is on the minus strand). VCF-style: chr6-52025890-T-A. GRCh37 (hg19) VCF-style: chr6-51890688-T-A.
Other names: c.3920A>T, p.Gln1307Leu (NM_170724.3); c.3920A>T (NM_138694.3); short protein forms Q1307L.
Identifiers: ClinVar variation 2060655 (VCV002060655.7), dbSNP rs572226863, ClinGen allele CA3852811.

ClinVar aggregate classification (germline): Uncertain significance. Review status: criteria provided, multiple submitters, no conflicts (2 of 4 stars). 5 submissions from 5 submitters: Uncertain significance (5). Last evaluated 2025-09-23.

Conditions:
Inborn genetic diseases. Identifiers: MedGen C0950123, MeSH D030342.
Polycystic kidney disease 4 (PKD4). Also called: PKD3; POLYCYSTIC KIDNEY DISEASE 4 WITH OR WITHOUT POLYCYSTIC LIVER DISEASE; POLYCYSTIC KIDNEY AND HEPATIC DISEASE 1; POLYCYSTIC KIDNEY DISEASE, INFANTILE, TYPE I; Autosomal Recessive Polycystic Kidney Disease – PKHD1. Identifiers: MedGen C4540575, MONDO:0033004, OMIM 263200.
PKHD1-related disorder. Also called: PKHD1-related condition.
Autosomal recessive polycystic kidney disease (ARPKD). Also called: AR polycystic kidney disease. Identifiers: Orphanet 731, Orphanet 8378, MedGen C0085548, MeSH D017044, MONDO:0009889.

Allele frequency attached by ClinVar (database versions not stated): ExAC 0.00002; gnomAD exomes 0.00004; gnomAD 0.00005; TOPMed 0.00009.
gnomAD v4.1: 65 of 1,614,036 alleles (0.004%); highest among the groups gnomAD compares: Admixed American, 0.013%; no homozygotes.

Submissions (5):

PreventionGenetics, part of Exact Sciences
Classification: Uncertain significance for PKHD1-related condition. Last evaluated: 2025-09-23. Review status: criteria provided, single submitter. Criteria: ACMG Guidelines, 2015. Collection method: clinical testing. Allele origin: germline.
Comment: The PKHD1 c.3920A>T variant is predicted to result in the amino acid substitution p.Gln1307Leu. To our knowledge, this variant has not been reported in the literature. This variant is reported in 0.017% of alleles in individuals of Latino descent in gnomAD. At this time, the clinical significance of this variant is uncertain due to the absence of conclusive functional and genetic evidence.

GeneDx
Classification: Uncertain significance. Last evaluated: 2024-12-11. Review status: criteria provided, single submitter. Criteria: GeneDx Variant Classification Process June 2021. Collection method: clinical testing. Allele origin: germline. Affected: yes.
Comment: In silico analysis supports that this missense variant has a deleterious effect on protein structure/function; Has not been previously published as pathogenic or benign to our knowledge

Fulgent Genetics
Classification: Uncertain significance for Polycystic kidney disease 4. Last evaluated: 2024-06-18. Review status: criteria provided, single submitter. Criteria: ACMG Guidelines, 2015. Collection method: clinical testing. Allele origin: germline.

Ambry Genetics
Classification: Uncertain significance for Inborn genetic diseases. Last evaluated: 2023-12-18. Review status: criteria provided, single submitter. Criteria: Ambry Variant Classification Scheme 2023. Collection method: clinical testing. Allele origin: germline.

Labcorp Genetics (formerly Invitae), Labcorp
Classification: Uncertain significance for Autosomal recessive polycystic kidney disease. Last evaluated: 2021-08-26. Review status: criteria provided, single submitter. Criteria: Invitae Variant Classification Sherloc (09022015). Collection method: clinical testing. Allele origin: germline.
Comment: This sequence change replaces glutamine with leucine at codon 1307 of the PKHD1 protein (p.Gln1307Leu). The glutamine residue is weakly conserved and there is a moderate physicochemical difference between glutamine and leucine. This variant is present in population databases (rs572226863, ExAC 0.009%). This variant has not been reported in the literature in individuals affected with PKHD1-related conditions. Algorithms developed to predict the effect of missense changes on protein structure and function (SIFT, PolyPhen-2, Align-GVGD) all suggest that this variant is likely to be tolerated. In summary, the available evidence is currently insufficient to determine the role of this variant in disease. Therefore, it has been classified as a Variant of Uncertain Significance.